The following is an entry in ClinVar:

ClinVar aggregate classification (germline): Likely pathogenic (1 of 4 stars; one submission).

Conditions:
Autosomal recessive Alport syndrome (ATS2). Also called: ALPORT SYNDROME 2, AUTOSOMAL RECESSIVE; Alport syndrome type 2; COL4A4 Alport Syndrome and Thin Basement Membrane Nephropathy; COL4A3-Related Nephropathy. Identifiers: Orphanet 63, Orphanet 88919, MedGen C4746745, MONDO:0008762, OMIM 203780.

Submission:

Myriad Genetics, Inc.
Classification: Likely pathogenic for Autosomal recessive Alport syndrome. Last evaluated: 2019-05-29. Review status: criteria provided, single submitter. Criteria: Myriad Women's Health Autosomal Recessive and X-Linked Classification Criteria (2019). Collection method: clinical testing. Allele origin: unknown.
Comment: NM_000091.4(COL4A3):c.1855G>T(G619*) is expected to be pathogenic in the context of COL4A3-related Alport syndrome. This variant is predicted to lead to an abnormal or absent protein product due to the creation of a premature termination codon in COL4A3, a gene where loss-of-function variants are known to be pathogenic. Please note: this variant was assessed in the context of healthy population screening.

NM_000091.5(COL4A3):c.1855G>T (p.Gly619Ter)

Genes: MFF-DT (MFF divergent transcript; minus strand), COL4A3 (collagen type IV alpha 3 chain; plus strand). Cytogenetic location: 2q36.3.
Variant type: single nucleotide variant.
Coding change: c.1855G>T on transcript NM_000091.5 (MANE Select); coding-DNA position 1855, G replaced by T.
Protein change: p.Gly619Ter; replaces glycine 619 with a stop codon.
Molecular consequence: nonsense.
Genome position (GRCh38, 1-based): chr2:227,273,045, G>T. VCF-style: chr2-227273045-G-T. GRCh37 (hg19) VCF-style: chr2-228137761-G-T.
Other names: short protein forms G619*.
Identifiers: ClinVar variation 984360 (VCV000984360.3), dbSNP rs773515249, ClinGen allele CA350844930.